The following is an entry in ClinVar:

ClinVar aggregate classification (germline): Pathogenic (1 of 4 stars; one submission).

Submission:

Labcorp Genetics (formerly Invitae), Labcorp
Classification: Pathogenic. Last evaluated: 2024-03-02. Review status: criteria provided, single submitter. Criteria: Invitae Variant Classification Sherloc (09022015). Collection method: clinical testing. Allele origin: germline.
Comment: This sequence change creates a premature translational stop signal (p.Arg901Profs*68) in the AUTS2 gene. While this is not anticipated to result in nonsense mediated decay, it is expected to disrupt the last 359 amino acid(s) of the AUTS2 protein. This variant is not present in population databases (gnomAD no frequency). This variant has not been reported in the literature in individuals affected with AUTS2-related conditions. This variant disrupts a region of the AUTS2 protein in which other variant(s) (p.Leu1019Trpfs*6) have been determined to be pathogenic (Invitae). This suggests that this is a clinically significant region of the protein, and that variants that disrupt it are likely to be disease-causing. For these reasons, this variant has been classified as Pathogenic.

NM_015570.4(AUTS2):c.2701dup (p.Arg901fs)

Gene: AUTS2 (activator of transcription and developmental regulator AUTS2; plus strand). Cytogenetic location: 7q11.22.
Variant type: Duplication.
Coding change: c.2701dup on transcript NM_015570.4 (MANE Select); coding-DNA position 2701, one base duplicated (C; older notation c.2701dupC).
Protein change: p.Arg901fs; shifts the reading frame from arginine 901.
Molecular consequence: frameshift variant.
Genome position (GRCh38, 1-based): chr7:70,789,917, C duplicated; the last of 3 consecutive C bases (chr7:70,789,915-70,789,917); duplicating any one gives the same sequence. VCF-style (leftmost placement, unchanged base first): chr7-70789914-T-TC. GRCh37 (hg19) VCF-style: chr7-70254900-T-TC.
Other names: c.2629dup, p.Arg877fs (NM_001127231.3); short protein forms R901fs, R877fs.
Identifiers: ClinVar variation 3644225 (VCV003644225.2).